The following is an entry in ClinVar:

ClinVar aggregate classification (germline): Uncertain significance. Review status: criteria provided, multiple submitters, no conflicts (2 of 4 stars). 2 submissions from 2 submitters: Uncertain significance (2). Last evaluated 2025-09-09.

Conditions:
Inborn genetic diseases. Identifiers: MedGen C0950123, MeSH D030342.

Allele frequency attached by ClinVar (database versions not stated): gnomAD exomes below 0.00001; TOPMed below 0.00001; ExAC 0.00001; gnomAD 0.00001.
gnomAD v4.1: 5 of 1,613,636 alleles (0.00031%); highest among the groups gnomAD compares: Non-Finnish European, 0.00034%; no homozygotes.

Submissions (2):

Ambry Genetics
Classification: Uncertain significance for Inborn genetic diseases. Last evaluated: 2025-09-09. Review status: criteria provided, single submitter. Criteria: Ambry Variant Classification Scheme 2023. Collection method: clinical testing. Allele origin: germline.

Labcorp Genetics (formerly Invitae), Labcorp
Classification: Uncertain significance. Last evaluated: 2022-10-13. Review status: criteria provided, single submitter. Criteria: Invitae Variant Classification Sherloc (09022015). Collection method: clinical testing. Allele origin: germline.
Comment: This sequence change replaces glycine, which is neutral and non-polar, with glutamic acid, which is acidic and polar, at codon 4970 of the USH2A protein (p.Gly4970Glu). This variant is present in population databases (rs759901279, gnomAD 0.0009%). This variant has not been reported in the literature in individuals affected with USH2A-related conditions. Advanced modeling of protein sequence and biophysical properties (such as structural, functional, and spatial information, amino acid conservation, physicochemical variation, residue mobility, and thermodynamic stability) performed at Invitae indicates that this missense variant is not expected to disrupt USH2A protein function. In summary, the available evidence is currently insufficient to determine the role of this variant in disease. Therefore, it has been classified as a Variant of Uncertain Significance.

NM_206933.4(USH2A):c.14909G>A (p.Gly4970Glu)

Gene: USH2A (usherin; minus strand). Cytogenetic location: 1q41.
Variant type: single nucleotide variant.
Coding change: c.14909G>A on transcript NM_206933.4 (MANE Select); coding-DNA position 14909, G replaced by A.
Protein change: p.Gly4970Glu; replaces glycine 4970 with glutamic acid.
Molecular consequence: missense variant.
Genome position (GRCh38, 1-based): chr1:215,640,617, C>T on the plus strand (G>A on the coding strand, the complement: USH2A is on the minus strand). VCF-style: chr1-215640617-C-T. GRCh37 (hg19) VCF-style: chr1-215813959-C-T.
Other names: c.14909G>A (NM_206933.2); short protein forms G4970E.
Identifiers: ClinVar variation 2153181 (VCV002153181.2), dbSNP rs759901279, ClinGen allele CA1392891.